The following is an entry in ClinVar:

ClinVar aggregate classification (germline): Likely pathogenic (1 of 4 stars; one submission).

Submission:

Labcorp Genetics (formerly Invitae), Labcorp
Classification: Likely pathogenic. Last evaluated: 2023-03-29. Review status: criteria provided, single submitter. Criteria: Invitae Variant Classification Sherloc (09022015). Collection method: clinical testing. Allele origin: germline.
Comment: In summary, the currently available evidence indicates that the variant is pathogenic, but additional data are needed to prove that conclusively. Therefore, this variant has been classified as Likely Pathogenic. This variant has not been reported in the literature in individuals affected with FH-related conditions. This variant is not present in population databases (gnomAD no frequency). This variant results in the deletion of part of exon 2 (c.266_267+1delinsATT) of the FH gene. It is expected to disrupt RNA splicing. Variants that disrupt the donor or acceptor splice site typically lead to a loss of protein function (PMID: 16199547), and loss-of-function variants in FH are known to be pathogenic (PMID: 11865300, 21398687).

Literature cited by the submitters: PubMed 16199547; PubMed 11865300; PubMed 21398687.

NM_000143.4(FH):c.266_267+1delinsATT

Gene: FH (fumarate hydratase; minus strand). Cytogenetic location: 1q43.
Variant type: Indel.
Coding change: c.266_267+1delinsATT on transcript NM_000143.4 (MANE Select); coding-DNA position 266 through the canonical splice donor site of the intron after coding-DNA position 267, CAG replaced by ATT.
Molecular consequence: splice donor variant.
Genome position (GRCh38, 1-based): chr1:241,517,181-241,517,183, CTG replaced by AAT on the plus strand (CAG replaced by ATT on the coding strand, the reverse complement: FH is on the minus strand). VCF-style: chr1-241517181-CTG-AAT. GRCh37 (hg19) VCF-style: chr1-241680481-CTG-AAT.
Identifiers: ClinVar variation 2837350 (VCV002837350.3), dbSNP rs2527340114, ClinGen allele CA2739274058.